The following is an entry in ClinVar:

ClinVar aggregate classification (germline): Conflicting classifications of pathogenicity. Review status: criteria provided, conflicting classifications (1 of 4 stars). 4 submissions from 4 submitters: Uncertain significance (3); Likely benign (1). Last evaluated 2025-11-14.

Conditions:
Hereditary cancer-predisposing syndrome. Also called: Hereditary Cancer Syndrome; Neoplastic Syndromes, Hereditary; Tumor predisposition; Hereditary neoplastic syndrome. Identifiers: Orphanet 140162, MedGen C0027672, MeSH D009386, MONDO:0015356.
Microcephaly, normal intelligence and immunodeficiency (NBS). Also called: Immunodeficiency, microcephaly with normal intelligence; SEEMANOVA SYNDROME II; Nijmegen breakage syndrome; Microcephaly with normal intelligence immunodeficiency and lymphoreticular malignancies; Nonsyndromal microcephaly autosomal recessive with normal intelligence; Seemanova syndrome 2. Identifiers: Orphanet 647, MedGen C0398791, MONDO:0009623, OMIM 251260.

Submissions (4):

Ambry Genetics
Classification: Likely benign for Hereditary cancer-predisposing syndrome. Last evaluated: 2025-11-14. Review status: criteria provided, single submitter. Criteria: Ambry Variant Classification Scheme 2023. Collection method: clinical testing. Allele origin: germline.

Women's Health and Genetics/Laboratory Corporation of America, LabCorp
Classification: Uncertain significance. Last evaluated: 2022-03-04. Review status: criteria provided, single submitter. Criteria: LabCorp Variant Classification Summary - May 2015. Collection method: clinical testing. Allele origin: germline.

Genome-Nilou Lab
Classification: Uncertain significance for Microcephaly, normal intelligence and immunodeficiency. Last evaluated: 2021-11-07. Review status: criteria provided, single submitter. Criteria: ACMG Guidelines, 2015. Collection method: clinical testing. Allele origin: germline. Affected: no.

Labcorp Genetics (formerly Invitae), Labcorp
Classification: Uncertain significance for Microcephaly, normal intelligence and immunodeficiency. Last evaluated: 2019-02-17. Review status: criteria provided, single submitter. Criteria: Invitae Variant Classification Sherloc (09022015). Collection method: clinical testing. Allele origin: germline.
Comment: In summary, the available evidence is currently insufficient to determine the role of this variant in disease. Therefore, it has been classified as a Variant of Uncertain Significance. Algorithms developed to predict the effect of missense changes on protein structure and function output the following: SIFT: "Tolerated"; PolyPhen-2: "Benign"; Align-GVGD: "Class C0". The glycine amino acid residue is found in multiple mammalian species, suggesting that this missense change does not adversely affect protein function. These predictions have not been confirmed by published functional studies and their clinical significance is uncertain. This variant has not been reported in the literature in individuals with NBN-related conditions. This variant is not present in population databases (ExAC no frequency). This sequence change replaces valine with glycine at codon 358 of the NBN protein (p.Val358Gly). The valine residue is weakly conserved and there is a moderate physicochemical difference between valine and glycine.

NM_002485.5(NBN):c.1073T>G (p.Val358Gly)

Gene: NBN (nibrin; minus strand). Cytogenetic location: 8q21.3.
Variant type: single nucleotide variant.
Coding change: c.1073T>G on transcript NM_002485.5 (MANE Select); coding-DNA position 1073, T replaced by G.
Protein change: p.Val358Gly; replaces valine 358 with glycine.
Molecular consequence: missense variant.
Genome position (GRCh38, 1-based): chr8:89,958,776, A>C on the plus strand (T>G on the coding strand, the complement: NBN is on the minus strand). VCF-style: chr8-89958776-A-C. GRCh37 (hg19) VCF-style: chr8-90971004-A-C.
Other names: c.827T>G, p.Val276Gly (NM_001024688.3); short protein forms V358G, V276G.
Identifiers: ClinVar variation 630881 (VCV000630881.19), dbSNP rs1563538793, ClinGen allele CA371656666.
Genomic context (GRCh38, chr8:89,958,776, plus strand): 5'-AAGCTTTACCATGTATCTGCTTGCTCTGATTCTGTGTCAGCTACGTATGTTGTAGTGTTC[A>C]CTGGGGCGCTTGGCATTAGTTTTTCATCAACTGACACGCCTTGTGAAAGGCTTGGTCCTG-3'
Protein context (NP_002476.2, residues 348-368): VDEKLMPSAP[Val358Gly]NTTTYVADTE